The following is an entry in ClinVar:

NM_000492.4(CFTR):c.1950C>A (p.Phe650Leu)

Gene: CFTR (CF transmembrane conductance regulator; plus strand). Cytogenetic location: 7q31.2.
Variant type: single nucleotide variant.
Coding change: c.1950C>A on transcript NM_000492.4 (MANE Select); coding-DNA position 1950, C replaced by A.
Protein change: p.Phe650Leu; replaces phenylalanine 650 with leucine.
Molecular consequence: missense variant.
Genome position (GRCh38, 1-based): chr7:117,592,117, C>A. VCF-style: chr7-117592117-C-A. GRCh37 (hg19) VCF-style: chr7-117232171-C-A.
Other names: short protein forms F650L.
Identifiers: ClinVar variation 550836 (VCV000550836.62), dbSNP rs200204024, ClinGen allele CA4451120.

ClinVar aggregate classification (germline): Uncertain significance. Review status: criteria provided, multiple submitters, no conflicts (2 of 4 stars). 8 submissions from 8 submitters: Uncertain significance (6). 2 of the submissions do not count toward it. Last evaluated 2025-11-24.

Conditions:
Cystic fibrosis (CF). Also called: MUCOVISCIDOSIS. Identifiers: Orphanet 586, MedGen C0010674, MONDO:0009061, OMIM 219700. Disease mechanism: loss of function.
CFTR-related disorder (CFTR-RD). Also called: CFTR-related disorders; CFTR-related condition. Identifiers: MedGen C5924204, MONDO:7770004.
Bronchiectasis with or without elevated sweat chloride 1 (BESC1). Also called: Cystic Fibrosis-Like Syndrome. Identifiers: Orphanet 60033, MedGen C2749757, MONDO:0008887, OMIM 211400.
Hereditary pancreatitis (PCTT). Also called: Hereditary chronic pancreatitis; PRSS1-Related Hereditary Pancreatitis. Identifiers: Orphanet 676, MedGen C0238339, MONDO:0008185, OMIM 167800.
Congenital bilateral aplasia of vas deferens from CFTR mutation (CBAVD). Identifiers: Orphanet 48, MedGen C0403814, MONDO:0010178, OMIM 277180. Disease mechanism: loss of function.

Allele frequency attached by ClinVar (database versions not stated): TOPMed 0.00006; 1000 Genomes Project 30x 0.00016; 1000 Genomes Project 0.00020.
gnomAD v4.1: 14 of 1,613,968 alleles (0.00087%); highest among the groups gnomAD compares: East Asian, 0.031%; no homozygotes.

Submissions (8):

Women's Health and Genetics/Laboratory Corporation of America, LabCorp
Classification: Uncertain significance. Last evaluated: 2025-11-24. Review status: criteria provided, single submitter. Criteria: LabCorp Variant Classification Summary - May 2015. Collection method: clinical testing. Allele origin: germline.
Comment: Variant summary: CFTR c.1950C>A (p.Phe650Leu) results in a non-conservative amino acid change located in the CFTR regulator domain (IPR025837) of the encoded protein sequence. Algorithms developed to predict the effect of missense changes on protein structure and function all suggest that this variant is likely to be disruptive. The variant allele was found at a frequency of 3.2e-05 in 251026 control chromosomes, predominantly at a frequency of 0.00044 within the East Asian subpopulation in the gnomAD database. The available data on variant occurrences in the general population are insufficient to allow any conclusion about variant significance. .1950C>A has been reported in the literature in one individual with bronchiectasis who had normal sweat chloride levels (Ziedalski_2006). It has also been reported in individuals with unrelated/unspecified phenotypes (e.g. Qiu_2017, Ni_2022). These reports do not provide unequivocal conclusions about association of the variant with Cystic Fibrosis. To our knowledge, no experimental evidence demonstrating an impact on protein function has been reported. The following publications have been ascertained in the context of this evaluation (PMID: 35313924, 28027573, 17035430). ClinVar contains an entry for this variant (Variation ID: 550836). Based on the evidence outlined above, the variant was classified as uncertain significance.

Ambry Genetics
Classification: Uncertain significance for Cystic fibrosis. Last evaluated: 2025-03-03. Review status: criteria provided, single submitter. Criteria: Ambry Variant Classification Scheme 2023. Collection method: clinical testing. Allele origin: germline.
Comment: The p.F650L variant (also known as c.1950C>A), located in coding exon 14 of the CFTR gene, results from a C to A substitution at nucleotide position 1950. The phenylalanine at codon 650 is replaced by leucine, an amino acid with highly similar properties. This variant was described in an individual with bronchiectasis and normal sweat chloride concentration (Ziedalski TM et al, Chest 2006 Oct; 130(4):995-1002). This amino acid position is well conserved in available vertebrate species. In addition, the in silico prediction for this alteration is inconclusive. Based on the available evidence, the clinical significance of this variant remains unclear.

Labcorp Genetics (formerly Invitae), Labcorp
Classification: Uncertain significance for Cystic fibrosis. Last evaluated: 2024-10-22. Review status: criteria provided, single submitter. Criteria: Invitae Variant Classification Sherloc (09022015). Collection method: clinical testing. Allele origin: germline.
Comment: This sequence change replaces phenylalanine, which is neutral and non-polar, with leucine, which is neutral and non-polar, at codon 650 of the CFTR protein (p.Phe650Leu). This variant is present in population databases (rs200204024, gnomAD 0.04%). This missense change has been observed in individual(s) with bronchiectasis (PMID: 17035430). ClinVar contains an entry for this variant (Variation ID: 550836). Invitae Evidence Modeling of protein sequence and biophysical properties (such as structural, functional, and spatial information, amino acid conservation, physicochemical variation, residue mobility, and thermodynamic stability) indicates that this missense variant is expected to disrupt CFTR protein function with a positive predictive value of 80%. In summary, the available evidence is currently insufficient to determine the role of this variant in disease. Therefore, it has been classified as a Variant of Uncertain Significance.

Genome-Nilou Lab
Classification: Uncertain significance for Cystic fibrosis. Last evaluated: 2021-09-05. Review status: criteria provided, single submitter. Criteria: ACMG Guidelines, 2015. Collection method: clinical testing. Allele origin: germline. Affected: no.

Fulgent Genetics
Classification: Uncertain significance for Hereditary pancreatitis; Bronchiectasis with or without elevated sweat chloride 1; Cystic fibrosis; Congenital bilateral aplasia of vas deferens from CFTR mutation. Last evaluated: 2021-07-27. Review status: criteria provided, single submitter. Criteria: ACMG Guidelines, 2015. Collection method: clinical testing. Allele origin: unknown.

Pars Genome Lab
Classification: Uncertain significance for Cystic fibrosis. Last evaluated: 2021-05-18. Review status: criteria provided, single submitter. Criteria: ACMG Guidelines, 2015. Collection method: clinical testing. Allele origin: germline. Affected: no.

Natera, Inc.
Classification: Uncertain significance for CFTR-related disorders. Last evaluated: 2018-09-12. Review status: no assertion criteria provided. Collection method: clinical testing. Allele origin: germline. Not counted in ClinVar's aggregate classification.

Counsyl
Classification: Uncertain significance for Cystic fibrosis. Last evaluated: 2017-02-23. Review status: no assertion criteria provided. Collection method: clinical testing. Allele origin: unknown. Not counted in ClinVar's aggregate classification.

Literature cited by the submitters: PubMed 17035430 (cited by 4 submitters); PubMed 28027573 (cited by Women's Health and Genetics/Laboratory Corporation of America, LabCorp); PubMed 35313924 (cited by Women's Health and Genetics/Laboratory Corporation of America, LabCorp).